The following is an entry in ClinVar:

NM_002439.5(MSH3):c.1897-11T>G

Gene: MSH3 (mutS homolog 3; plus strand). Cytogenetic location: 5q14.1.
Variant type: single nucleotide variant.
Coding change: c.1897-11T>G on transcript NM_002439.5 (MANE Select); 11 bases into the intron before coding-DNA position 1897, T replaced by G.
Molecular consequence: intron variant.
Genome position (GRCh38, 1-based): chr5:80,767,922, T>G. VCF-style: chr5-80767922-T-G. GRCh37 (hg19) VCF-style: chr5-80063741-T-G.
Identifiers: ClinVar variation 2024537 (VCV002024537.4), dbSNP rs2546773495, ClinGen allele CA2580073566.
Genomic context (GRCh38, chr5:80,767,922, plus strand): 5'-TTAAAAGTCACTAATTAAACTTCATTTTCATGTATCTTATGCTATTTCATAAAAAATATT[T>G]CTATTTTCAGTGTTCTACCCAAGAGTTCTTCTTGATTGTCAAAACTTTATATCACCTAAA-3'

ClinVar aggregate classification (germline): Uncertain significance (1 of 4 stars; one submission).

Submission:

Labcorp Genetics (formerly Invitae), Labcorp
Classification: Uncertain significance. Last evaluated: 2022-08-18. Review status: criteria provided, single submitter. Criteria: Invitae Variant Classification Sherloc (09022015). Collection method: clinical testing. Allele origin: germline.
Comment: This sequence change falls in intron 13 of the MSH3 gene. It does not directly change the encoded amino acid sequence of the MSH3 protein. RNA analysis indicates that this variant induces altered splicing and likely results in the loss of 32 amino acid residue(s), but is expected to preserve the integrity of the reading-frame. This variant is not present in population databases (gnomAD no frequency). This variant has not been reported in the literature in individuals affected with MSH3-related conditions. Studies have shown that this variant results in the activation of a cryptic splice site in exon 14 (Invitae). In summary, the available evidence is currently insufficient to determine the role of this variant in disease. Therefore, it has been classified as a Variant of Uncertain Significance.